The following is an entry in ClinVar:

ClinVar aggregate classification (germline): Likely pathogenic (1 of 4 stars; one submission).

Conditions:
Early-infantile DEE. Also called: Early infantile epileptic encephalopathy; Ohtahara syndrome; Early infantile epileptic encephalopathy with suppression bursts. Identifiers: Orphanet 1934, MedGen C0393706, MONDO:0800491.

Submission:

Labcorp Genetics (formerly Invitae), Labcorp
Classification: Likely pathogenic for Early-infantile DEE. Last evaluated: 2025-01-06. Review status: criteria provided, single submitter. Criteria: Invitae Variant Classification Sherloc (09022015). Collection method: clinical testing. Allele origin: germline.
Comment: This sequence change replaces tyrosine, which is neutral and polar, with serine, which is neutral and polar, at codon 401 of the SCN8A protein (p.Tyr401Ser). This variant is not present in population databases (gnomAD no frequency). This variant has not been reported in the literature in individuals affected with SCN8A-related conditions. Invitae Evidence Modeling of protein sequence and biophysical properties (such as structural, functional, and spatial information, amino acid conservation, physicochemical variation, residue mobility, and thermodynamic stability) indicates that this missense variant is expected to disrupt SCN8A protein function with a positive predictive value of 95%. This variant disrupts the p.Tyr401 amino acid residue in SCN8A. Other variant(s) that disrupt this residue have been determined to be pathogenic (PMID: 30171078; internal data). This suggests that this residue is clinically significant, and that variants that disrupt this residue are likely to be disease-causing. In summary, the currently available evidence indicates that the variant is pathogenic, but additional data are needed to prove that conclusively. Therefore, this variant has been classified as Likely Pathogenic.

Literature cited by the submitters: PubMed 30171078.

NM_001330260.2(SCN8A):c.1202A>C (p.Tyr401Ser)

Gene: SCN8A (sodium voltage-gated channel alpha subunit 8; plus strand). Cytogenetic location: 12q13.13.
Variant type: single nucleotide variant.
Coding change: c.1202A>C on transcript NM_001330260.2 (MANE Select); coding-DNA position 1202, A replaced by C.
Protein change: p.Tyr401Ser; replaces tyrosine 401 with serine.
Molecular consequence: missense variant.
Genome position (GRCh38, 1-based): chr12:51,705,484, A>C. VCF-style: chr12-51705484-A-C. GRCh37 (hg19) VCF-style: chr12-52099268-A-C.
Other names: c.1202A>C, p.Tyr401Ser (NM_001177984.3, NM_001369788.1, NM_014191.4); short protein forms Y401S.
Identifiers: ClinVar variation 3635183 (VCV003635183.2).
Genomic context (GRCh38, chr12:51,705,484, plus strand): 5'-GAGCAGCCGGGAAAACATACATGATCTTCTTCGTCTTGGTCATCTTTGTGGGTTCTTTCT[A>C]TCTGGTGAACTTGATCTTGGCTGTGGTGGCCATGGCTTATGAAGAACAGAATCAGGCAAC-3'
Protein context (NP_001317189.1, residues 391-411): FVLVIFVGSF[Tyr401Ser]LVNLILAVVA